The following is an entry in ClinVar:

NM_001792.5(CDH2):c.2572_2575dup (p.Asp859delinsValTer)

Genes: CDH2 (cadherin 2; minus strand), CDH2-AS1 (CDH2 antisense RNA 1; plus strand). Cytogenetic location: 18q12.1.
Variant type: Duplication.
Coding change: c.2572_2575dup on transcript NM_001792.5 (MANE Select); coding-DNA positions 2572 to 2575, 4 bases duplicated (TTTG; older notation c.2572_2575dupTTTG).
Protein change: p.Asp859delinsValTer.
Molecular consequence: nonsense.
Genome position (GRCh38, 1-based): chr18:27,952,299-27,952,302, CAAA duplicated on the plus strand (TTTG on the coding strand, the reverse complement: CDH2 is on the minus strand); duplicating any 4 consecutive bases within chr18:27,952,299-27,952,304 gives the same sequence; the c. name uses the placement nearest the transcript's 3' end. VCF-style (leftmost placement, unchanged base first): chr18-27952298-T-TCAAA. GRCh37 (hg19) VCF-style: chr18-25532262-T-TCAAA.
Other names: c.2479_2482dup, p.Asp828delinsValTer (NM_001308176.2).
Identifiers: ClinVar variation 3381660 (VCV003381660.1).
Genomic context (GRCh38, chr18:27,952,298, plus strand): 5'-CCACTACTTGAGGAATTAAGGGAGCTCAAGGACCCAGCAGTGGAGCCACTGCCTTCATAG[T>TCAAA]CAAACACTAACAGGGAGTCATATGGTGGAGCTGTGGGGTCATTGTCAGCCGCTTTAAGGC-3'

ClinVar aggregate classification (germline): Uncertain significance (1 of 4 stars; one submission).

Submission:

GeneDx
Classification: Uncertain significance. Last evaluated: 2024-05-20. Review status: criteria provided, single submitter. Criteria: GeneDx Variant Classification Process June 2021. Collection method: clinical testing. Allele origin: germline. Affected: yes.
Comment: Not observed at significant frequency in large population cohorts (gnomAD); Frameshift variant predicted to result in abnormal protein length as the last 48 amino acids are replaced with 1 different amino acid; Has not been previously published as pathogenic or benign to our knowledge